The following is an entry in ClinVar:

NM_001374353.1(GLI2):c.3414C>G (p.Asp1138Glu)

Gene: GLI2 (GLI family zinc finger 2; plus strand). Cytogenetic location: 2q14.2.
Variant type: single nucleotide variant.
Coding change: c.3414C>G on transcript NM_001374353.1 (MANE Select); coding-DNA position 3414, C replaced by G.
Protein change: p.Asp1138Glu; replaces aspartic acid 1138 with glutamic acid.
Molecular consequence: missense variant.
Genome position (GRCh38, 1-based): chr2:120,989,379, C>G. VCF-style: chr2-120989379-C-G. GRCh37 (hg19) VCF-style: chr2-121746955-C-G.
Other names: c.3465C>G, p.Asp1155Glu (NM_001371271.1, NM_005270.5); c.3039C>G, p.Asp1013Glu (NM_001374354.1); short protein forms D1013E, D1138E, D1155E.
Identifiers: ClinVar variation 2662313 (VCV002662313.1), dbSNP rs561285256, ClinGen allele CA348174291.

ClinVar aggregate classification (germline): Uncertain significance (1 of 4 stars; one submission).

gnomAD v4.1: 1 of 1,612,998 alleles (0.000062%); highest among the groups gnomAD compares: African/African-American, 0.0013%; no homozygotes.

Submission:

GeneDx
Classification: Uncertain significance. Last evaluated: 2023-05-17. Review status: criteria provided, single submitter. Criteria: GeneDx Variant Classification Process June 2021. Collection method: clinical testing. Allele origin: germline. Affected: yes.
Comment: Not observed at significant frequency in large population cohorts (gnomAD); In silico analysis supports that this missense variant has a deleterious effect on protein structure/function; Has not been previously published as pathogenic or benign to our knowledge